The following is an entry in ClinVar:

ClinVar aggregate classification (germline): Uncertain significance (1 of 4 stars; one submission).

Conditions:
Cornelia de Lange syndrome 5 (CDLS5). Also called: HDAC8-Related Cornelia de Lange Syndrome. Identifiers: Orphanet 199, MedGen C3550903, MONDO:0010471, OMIM 300882.

Submission:

Labcorp Genetics (formerly Invitae), Labcorp
Classification: Uncertain significance for Cornelia de Lange syndrome 5. Last evaluated: 2023-08-24. Review status: criteria provided, single submitter. Criteria: Invitae Variant Classification Sherloc (09022015). Collection method: clinical testing. Allele origin: germline.
Comment: In summary, the available evidence is currently insufficient to determine the role of this variant in disease. Therefore, it has been classified as a Variant of Uncertain Significance. An algorithm developed to predict the effect of missense changes on protein structure and function (PolyPhen-2) suggests that this variant is likely to be disruptive. ClinVar contains an entry for this variant (Variation ID: 1720301). This variant has not been reported in the literature in individuals affected with HDAC8-related conditions. This variant is not present in population databases (gnomAD no frequency). This sequence change replaces aspartic acid, which is acidic and polar, with valine, which is neutral and non-polar, at codon 147 of the HDAC8 protein (p.Asp147Val).

NM_018486.3(HDAC8):c.440A>T (p.Asp147Val)

Gene: HDAC8 (histone deacetylase 8; minus strand). Cytogenetic location: Xq13.1.
Variant type: single nucleotide variant.
Coding change: c.440A>T on transcript NM_018486.3 (MANE Select); coding-DNA position 440, A replaced by T.
Protein change: p.Asp147Val; replaces aspartic acid 147 with valine.
Molecular consequence: missense variant. On other transcripts: non-coding transcript variant (1).
Genome position (GRCh38, 1-based): chrX:72,495,266, T>A on the plus strand (A>T on the coding strand, the complement: HDAC8 is on the minus strand). VCF-style: chrX-72495266-T-A. GRCh37 (hg19) VCF-style: chrX-71715116-T-A.
Other names: c.167A>T, p.Asp56Val (NM_001166418.2, NM_001166448.2, NM_001410728.1); c.440A>T, p.Asp147Val (NM_001166419.2, NM_001410725.1, NM_001410727.1 and 2 more transcripts); short protein forms D147V, D56V.
Identifiers: ClinVar variation 1720301 (VCV001720301.5), dbSNP rs2148144542, ClinGen allele CA413640345.
Genomic context (GRCh38, chrX:72,495,266, plus strand): 5'-CGTCGCAATCGTAATATTCCCAGGACAGCATCATTGAGATAACAAAAACCAGATGCTTCA[T>A]CTCTGTAAGAAAACAAGTTGCTACAGCCAACAGCCAAAAAGCAATCCAAGGGAGTCTTTA-3'
Protein context (NP_060956.1, residues 137-157): WSGGWHHAKK[Asp147Val]EASGFCYLND